The following is an entry in ClinVar:

ClinVar aggregate classification (germline): Uncertain significance (1 of 4 stars; one submission).

Conditions:
Koolen-de Vries syndrome (KDVS). Identifiers: Orphanet 96169, MedGen C1864871, MONDO:0012496, OMIM 610443.

Submission:

Labcorp Genetics (formerly Invitae), Labcorp
Classification: Uncertain significance for Koolen-de Vries syndrome. Last evaluated: 2022-12-02. Review status: criteria provided, single submitter. Criteria: Invitae Variant Classification Sherloc (09022015). Collection method: clinical testing. Allele origin: germline.
Comment: In summary, the available evidence is currently insufficient to determine the role of this variant in disease. Therefore, it has been classified as a Variant of Uncertain Significance. Advanced modeling of protein sequence and biophysical properties (such as structural, functional, and spatial information, amino acid conservation, physicochemical variation, residue mobility, and thermodynamic stability) performed at Invitae indicates that this missense variant is expected to disrupt KANSL1 protein function. ClinVar contains an entry for this variant (Variation ID: 536296). This variant has not been reported in the literature in individuals affected with KANSL1-related conditions. This variant is not present in population databases (gnomAD no frequency). This sequence change replaces arginine, which is basic and polar, with proline, which is neutral and non-polar, at codon 594 of the KANSL1 protein (p.Arg594Pro).

NM_015443.4(KANSL1):c.1781G>C (p.Arg594Pro)

Gene: KANSL1 (KAT8 regulatory NSL complex subunit 1). Cytogenetic location: 17q21.31.
Variant type: single nucleotide variant.
Coding change: c.1781G>C on transcript NM_015443.4 (MANE Select); coding-DNA position 1781, G replaced by C.
Protein change: p.Arg594Pro; replaces arginine 594 with proline.
Molecular consequence: missense variant.
Genome position (GRCh38, 1-based): chr17:46,066,604, C>G on the plus strand (G>C on the coding strand, the complement: KANSL1 is on the minus strand). VCF-style: chr17-46066604-C-G. GRCh37 (hg19) VCF-style: chr17-44143970-C-G.
Other names: c.1781G>C, p.Arg594Pro (NM_001193465.2, NM_001193466.2, NM_001379198.1); short protein forms R594P.
Identifiers: ClinVar variation 536296 (VCV000536296.8), dbSNP rs1057520691, ClinGen allele CA399986456.